The following is an entry in ClinVar:

ClinVar aggregate classification (germline): Pathogenic (1 of 4 stars; one submission).

Conditions:
Maple syrup urine disease type 1B (MSUD1B). Also called: MSUD type IB; MSUD type 3 (formerly); MSUD due to deficiency of e1-beta subunit of branched-chain alpha-keto acid dehydrogenase complex. Identifiers: MedGen C2930990, MONDO:0023692, OMIM 620698.

Submission:

Myriad Genetics, Inc.
Classification: Pathogenic for Maple syrup urine disease type 1B. Last evaluated: 2026-06-22. Review status: criteria provided, single submitter. Criteria: Myriad Autosomal Dominant, Autosomal Recessive and X-Linked Classification Criteria (2023). Collection method: clinical testing. Allele origin: unknown.
Comment: NM_183050.2(BCKDHB):c.647delG(R216Kfs*14) is expected to be pathogenic in the context of maple syrup urine disease type Ib. This variant is predicted to lead to an abnormal or absent protein product due to the creation of a premature termination codon in BCKDHB, a gene where loss-of-function variants are known to be pathogenic. Please note: this variant was assessed in the context of healthy population screening.

NM_183050.4(BCKDHB):c.647del (p.Arg216fs)

Gene: BCKDHB (branched chain keto acid dehydrogenase E1 subunit beta; plus strand). Cytogenetic location: 6q14.1.
Variant type: Deletion.
Coding change: c.647del on transcript NM_183050.4 (MANE Select); coding-DNA position 647, one base deleted (G; older notation c.647delG).
Protein change: p.Arg216fs; shifts the reading frame from arginine 216.
Molecular consequence: frameshift variant. On other transcripts: non-coding transcript variant (4).
Genome position (GRCh38, 1-based): chr6:80,171,295, G deleted. VCF-style (leftmost placement, unchanged base first): chr6-80171294-AG-A. GRCh37 (hg19) VCF-style: chr6-80881011-AG-A.
Other names: c.647del, p.Arg216fs (NM_000056.5, NM_001424035.1, NM_001424036.1 and 7 more transcripts); c.437del, p.Arg146fs (NM_001318975.1, NM_001424043.1); short protein forms R146fs, R216fs.
Identifiers: ClinVar variation 5016064 (VCV005016064.1).